The following is an entry in ClinVar:

NM_001039958.1(MESP2):c.535GGGCAGGGGCAA[2_4]

Gene: MESP2 (mesoderm posterior bHLH transcription factor 2; plus strand). Cytogenetic location: 15q26.1.
Variant type: Microsatellite.
Coding change: c.535GGGCAGGGGCAA[2_4] on transcript NM_001039958.1.
Identifiers: ClinVar variation 38910 (VCV000038910.3), dbSNP rs397507446.

ClinVar aggregate classification (germline): Benign (0 of 4 stars; one submission).

Conditions:
Spondylocostal dysostosis 2, autosomal recessive (SCDO2). Also called: Spondylocostal dysostosis type 2; MESP2-Related Spondylocostal Dysostosis, Autosomal Recessive. Identifiers: Orphanet 2311, MedGen C1837549, MONDO:0012097, OMIM 608681.

Submission:

GeneReviews
Classification: Benign for Spondylocostal Dysostosis, Autosomal Recessive. Last evaluated: 2013-01-17. Review status: no assertion criteria provided. Collection method: curation. Allele origin: unknown.
ClinVar note: Converted during submission from benign to Benign.